The following is an entry in ClinVar:

ClinVar aggregate classification (germline): Uncertain significance. Review status: criteria provided, multiple submitters, no conflicts (2 of 4 stars). 2 submissions from 2 submitters: Uncertain significance (2). Last evaluated 2025-11-03.

Conditions:
Inborn genetic diseases. Identifiers: MedGen C0950123, MeSH D030342.

Allele frequency attached by ClinVar (database versions not stated): ExAC 0.00006.
gnomAD v4.1: 15 of 1,507,600 alleles (0.00099%); highest among the groups gnomAD compares: Middle Eastern, 0.022%; no homozygotes.

Submissions (2):

Labcorp Genetics (formerly Invitae), Labcorp
Classification: Uncertain significance. Last evaluated: 2025-11-03. Review status: criteria provided, single submitter. Criteria: Invitae Variant Classification Sherloc (09022015). Collection method: clinical testing. Allele origin: germline.
Comment: This sequence change replaces arginine, which is basic and polar, with tryptophan, which is neutral and slightly polar, at codon 360 of the COLGALT1 protein (p.Arg360Trp). This variant is present in population databases (rs756974396, gnomAD 0.08%). This variant has not been reported in the literature in individuals affected with COLGALT1-related conditions. ClinVar contains an entry for this variant (Variation ID: 2184165). Invitae Evidence Modeling of protein sequence and biophysical properties (such as structural, functional, and spatial information, amino acid conservation, physicochemical variation, residue mobility, and thermodynamic stability) indicates that this missense variant is not expected to disrupt COLGALT1 protein function with a negative predictive value of 80%. In summary, the available evidence is currently insufficient to determine the role of this variant in disease. Therefore, it has been classified as a Variant of Uncertain Significance.

Ambry Genetics
Classification: Uncertain significance for Inborn genetic diseases. Last evaluated: 2024-08-10. Review status: criteria provided, single submitter. Criteria: Ambry Variant Classification Scheme 2023. Collection method: clinical testing. Allele origin: germline.

NM_024656.4(COLGALT1):c.1078C>T (p.Arg360Trp)

Gene: COLGALT1 (collagen beta(1-O)galactosyltransferase 1; plus strand). Cytogenetic location: 19p13.11.
Variant type: single nucleotide variant.
Coding change: c.1078C>T on transcript NM_024656.4 (MANE Select); coding-DNA position 1078, C replaced by T.
Protein change: p.Arg360Trp; replaces arginine 360 with tryptophan.
Molecular consequence: missense variant.
Genome position (GRCh38, 1-based): chr19:17,577,412, C>T. VCF-style: chr19-17577412-C-T. GRCh37 (hg19) VCF-style: chr19-17688221-C-T.
Other names: c.1078C>T (NM_024656.2); short protein forms R360W.
Identifiers: ClinVar variation 2184165 (VCV002184165.5), dbSNP rs756974396, ClinGen allele CA9297161.